The following is an entry in ClinVar:

NM_022455.5(NSD1):c.5098C>T (p.Arg1700Ter)

Gene: NSD1 (nuclear receptor binding SET domain protein 1; plus strand). Cytogenetic location: 5q35.3.
Variant type: single nucleotide variant.
Coding change: c.5098C>T on transcript NM_022455.5 (MANE Select); coding-DNA position 5098, C replaced by T.
Protein change: p.Arg1700Ter; replaces arginine 1700 with a stop codon.
Molecular consequence: nonsense.
Genome position (GRCh38, 1-based): chr5:177,260,120, C>T. VCF-style: chr5-177260120-C-T. GRCh37 (hg19) VCF-style: chr5-176687121-C-T.
Other names: c.4225C>T, p.Arg1409Ter (NM_001365684.2, NM_001409308.1, NM_001409309.1 and 1 more transcripts); c.5098C>T, p.Arg1700Ter (NM_001409301.1, NM_001409302.1, NM_001409303.1); c.4678C>T, p.Arg1560Ter (NM_001409304.1); c.4345C>T, p.Arg1449Ter (NM_001409305.1); c.4336C>T, p.Arg1446Ter (NM_001409306.1, NM_001409307.1); short protein forms R1700*, R1431*, R1409*, R1449*, R1446*, R1560*.
Identifiers: ClinVar variation 159358 (VCV000159358.21), dbSNP rs587784137, ClinGen allele CA294933.
Genomic context (GRCh38, chr5:177,260,120, plus strand): 5'-AAGATCCTTGCATCTAATAGTATCATCTGCCCTAATCACTTTACCCCTAGGCGGGGCTGC[C>T]GAAATCATGAGCATGTTAATGTTAGCTGGTGCTTTGTGTGCTCAGAAGGTAAGAAATCAT-3'

ClinVar aggregate classification (germline): Pathogenic. Review status: criteria provided, multiple submitters, no conflicts (2 of 4 stars). 7 submissions from 7 submitters: Pathogenic (7). Last evaluated 2025-08-26.

Conditions:
Sotos syndrome (SOTOS). Also called: Distinctive facial appearance, overgrowth in childhood, and learning disabilities or delayed development; CEREBRAL GIGANTISM; Sotos' syndrome; CHROMOSOME 5q35 DELETION SYNDROME; SOTOS SYNDROME 1. Identifiers: Orphanet 821, MedGen C0175695, MONDO:0019349, OMIM 117550.
NSD1-related disorder. Also called: NSD1-related condition.

Submissions (7):

3billion
Classification: Pathogenic for Sotos syndrome. Last evaluated: 2025-08-26. Review status: criteria provided, single submitter. Criteria: ACMG Guidelines, 2015. Collection method: clinical testing. Allele origin: germline. Affected: yes.
Comment: The variant is not observed in the gnomAD v4.1.0 dataset. Predicted Consequence/Location: Stop-gained (nonsense): predicted to result in a loss or disruption of normal protein function through nonsense-mediated decay (NMD) or protein truncation. Multiple pathogenic variants are reported downstream of the variant. The variant has been previously reported as assumed (i.e. paternity and maternity not confirmed) de novo in at least one similarly affected unrelated individual (PMID: 17565729). The variant has been reported at least twice as pathogenic with clinical assertions and evidence for the classification (ClinVar ID: VCV000159358 /PMID: 17565729). Therefore, this variant is classified as Pathogenic according to the recommendation of ACMG/AMP guideline.

GeneDx
Classification: Pathogenic. Last evaluated: 2025-07-14. Review status: criteria provided, single submitter. Criteria: GeneDx Variant Classification Process June 2021. Collection method: clinical testing. Allele origin: germline. Affected: yes.
Comment: Nonsense variant predicted to result in protein truncation or nonsense mediated decay in a gene for which loss of function is a known mechanism of disease; Not observed at significant frequency in large population cohorts (gnomAD); This variant is associated with the following publications: (PMID: 17565729, 25525159, 25326635, 28475857, 36919607, 26043501)

Labcorp Genetics (formerly Invitae), Labcorp
Classification: Pathogenic. Last evaluated: 2025-03-17. Review status: criteria provided, single submitter. Criteria: Invitae Variant Classification Sherloc (09022015). Collection method: clinical testing. Allele origin: germline.
Comment: This sequence change creates a premature translational stop signal (p.Arg1700*) in the NSD1 gene. It is expected to result in an absent or disrupted protein product. Loss-of-function variants in NSD1 are known to be pathogenic (PMID: 12464997, 14571271, 15942875, 16247291). This variant is not present in population databases (gnomAD no frequency). This premature translational stop signal has been observed in individual(s) with Sotos syndrome (PMID: 17565728). In at least one individual the variant was observed to be de novo. ClinVar contains an entry for this variant (Variation ID: 159358). For these reasons, this variant has been classified as Pathogenic.

Blueprint Genetics
Classification: Pathogenic for NSD1-related disorders. Last evaluated: 2023-06-27. Review status: criteria provided, single submitter. Criteria: ACMG Guidelines, 2015. Collection method: clinical testing. Allele origin: germline. Affected: yes. Observed: 1 variant allele.

Genome-Nilou Lab
Classification: Pathogenic for Sotos syndrome. Last evaluated: 2021-07-15. Review status: criteria provided, single submitter. Criteria: ACMG Guidelines, 2015. Collection method: clinical testing. Allele origin: germline. Affected: no.

Baylor Genetics
Classification: Pathogenic for Sotos syndrome. Last evaluated: 2017-09-01. Review status: criteria provided, single submitter. Criteria: ACMG Guidelines, 2015. Collection method: clinical testing. Allele origin: de novo. Inheritance: Autosomal dominant inheritance. Affected: yes.

Genetic Services Laboratory, University of Chicago
Classification: Pathogenic for Sotos syndrome 1. Last evaluated: 2013-02-08. Review status: criteria provided, single submitter. Criteria: ACMG Guidelines, 2007. Collection method: clinical testing. Allele origin: germline. Inheritance: Autosomal dominant inheritance. Affected: yes.

Literature cited by the submitters: PubMed 17565729 (cited by 3billion and Baylor Genetics); PubMed 12464997 (cited by Labcorp Genetics (formerly Invitae), Labcorp); PubMed 14571271 (cited by Labcorp Genetics (formerly Invitae), Labcorp); PubMed 15942875 (cited by Labcorp Genetics (formerly Invitae), Labcorp); PubMed 16247291 (cited by Labcorp Genetics (formerly Invitae), Labcorp); PubMed 17565728 (cited by Labcorp Genetics (formerly Invitae), Labcorp); PubMed 25326635 (cited by Baylor Genetics).